The following is an entry in ClinVar:

NM_001111125.3(IQSEC2):c.1426G>C (p.Asp476His)

Gene: IQSEC2 (IQ motif and Sec7 domain ArfGEF 2; minus strand). Cytogenetic location: Xp11.22.
Variant type: single nucleotide variant.
Coding change: c.1426G>C on transcript NM_001111125.3 (MANE Select); coding-DNA position 1426, G replaced by C.
Protein change: p.Asp476His; replaces aspartic acid 476 with histidine.
Molecular consequence: missense variant.
Genome position (GRCh38, 1-based): chrX:53,251,150, C>G on the plus strand (G>C on the coding strand, the complement: IQSEC2 is on the minus strand). VCF-style: chrX-53251150-C-G. GRCh37 (hg19) VCF-style: chrX-53280332-C-G.
Other names: c.1426G>C, p.Asp476His (NM_001410736.1, NM_001441092.1); c.928G>C, p.Asp310His (NM_001441093.1); c.715G>C, p.Asp239His (NM_001441094.1, NM_001441095.1); c.811G>C, p.Asp271His (NM_015075.2); short protein forms D239H, D271H, D310H, D476H.
Identifiers: ClinVar variation 4689994 (VCV004689994.1).

ClinVar aggregate classification (germline): Uncertain significance (1 of 4 stars; one submission).

Submission:

GeneDx
Classification: Uncertain significance. Last evaluated: 2025-07-30. Review status: criteria provided, single submitter. Criteria: GeneDx Variant Classification Process June 2021. Collection method: clinical testing. Allele origin: germline. Affected: yes.
Comment: Not observed at significant frequency in large population cohorts (gnomAD); In silico analysis supports that this missense variant has a deleterious effect on protein structure/function; Has not been previously published as pathogenic or benign to our knowledge